The following is an entry in ClinVar:

ClinVar aggregate classification (germline): Conflicting classifications of pathogenicity. Review status: criteria provided, conflicting classifications (1 of 4 stars). 10 submissions from 10 submitters: Uncertain significance (9); Likely benign (1). Last evaluated 2026-04-14.

Conditions:
Familial intrahepatic cholestasis. Identifiers: Orphanet 284385, MedGen CN296401, MONDO:0017290.
ABCB11-related disorder. Also called: ABCB11-related condition.
Benign recurrent intrahepatic cholestasis type 2 (BRIC2). Also called: Recurrent familial intrahepatic cholestasis 2. Identifiers: Orphanet 65682, Orphanet 99961, MedGen C2608083, MONDO:0011559, OMIM 605479.
Progressive familial intrahepatic cholestasis type 2. Identifiers: Orphanet 79304, MedGen C3489789, MONDO:0011156, OMIM 601847.

Allele frequency attached by ClinVar (database versions not stated): gnomAD 0.00006 and 0.00007; ESP Exome Variant Server 0.00008; TOPMed 0.00011; gnomAD exomes 0.00013 and 0.00021; ExAC 0.00027.
gnomAD v4.1: 197 of 1,570,854 alleles (0.013%); highest among the groups gnomAD compares: Admixed American, 0.044%; no homozygotes.

Submissions (10):

Genomenon, Inc
Classification: Uncertain significance for Familial intrahepatic cholestasis. Last evaluated: 2026-04-14. Review status: criteria provided, single submitter. Criteria: Genomenon Sequence Variant Interpretation Standards - Updated. Collection method: curation. Allele origin: germline. Affected: yes.
Comment: ABCB11 p.Glu709Lys (c.2125G>A) is a missense variant that changes the amino acid at residue 709 from Glutamic acid to Lysine. This variant has been observed in at least one proband with an ABCB11-related disorder (PMID:32917322;32087350;19101985). Functional studies have been reported (PMID:19101985). In silico models predict that this variant is not damaging. In conclusion, we classify ABCB11 p.Glu709Lys (c.2125G>A) as a variant of uncertain significance.

PreventionGenetics, part of Exact Sciences
Classification: Uncertain significance for ABCB11-related condition. Last evaluated: 2026-02-24. Review status: criteria provided, single submitter. Criteria: ACMG Guidelines, 2015. Collection method: clinical testing. Allele origin: germline.
Comment: The ABCB11 c.2125G>A variant is predicted to result in the amino acid substitution p.Glu709Lys. This variant has been reported as part of a complex allele (alongside c.1165G>A p.Ala389Thr in cis) in the compound heterozygous state in an individual with progressive familial intrahepatic cholestasis type 2 (Li et al. 2020. PubMed ID: 32808743). This variant has also been reported in the heterozygous state in an individual with intrahepatic cholestasis of pregnancy; however, the authors suggested that this variant may be benign (Adanas Aydin et al. 2020. PubMed ID: 32917322). In addition, this variant was reported in a study of the ABCB11 gene, but its clinical significance was unknown (Byrne et al. 2009. PubMed ID: 19101985). This variant is reported in 0.066% of alleles in individuals of Latino descent in gnomAD. At this time, the clinical significance of this variant is uncertain due to the absence of conclusive functional and genetic evidence.

Labcorp Genetics (formerly Invitae), Labcorp
Classification: Likely benign. Last evaluated: 2026-01-12. Review status: criteria provided, single submitter. Criteria: Invitae Variant Classification Sherloc (09022015). Collection method: clinical testing. Allele origin: germline.

Blueprint Genetics
Classification: Uncertain significance. Last evaluated: 2024-09-06. Review status: criteria provided, single submitter. Criteria: ACMG Guidelines, 2015. Collection method: clinical testing. Allele origin: germline.

GeneDx
Classification: Uncertain significance. Last evaluated: 2022-07-05. Review status: criteria provided, single submitter. Criteria: GeneDx Variant Classification Process June 2021. Collection method: clinical testing. Allele origin: germline. Affected: yes.
Comment: Reported in one patient with intrahepatic cholestasis of pregnancy in published literature (Aydin et al., 2020); In silico analysis supports that this missense variant does not alter protein structure/function; This variant is associated with the following publications: (PMID: 19101985, 32808743, 32917322)

Mayo Clinic Laboratories, Mayo Clinic
Classification: Uncertain significance. Last evaluated: 2022-06-23. Review status: criteria provided, single submitter. Criteria: ACMG Guidelines, 2015. Collection method: clinical testing. Allele origin: germline. Observed: 1 variant allele.
Comment: BP4

Centre for Mendelian Genomics, University Medical Centre Ljubljana
Classification: Uncertain significance for Benign recurrent intrahepatic cholestasis type 2. Last evaluated: 2019-11-29. Review status: criteria provided, single submitter. Criteria: ACMG Guidelines, 2015. Collection method: clinical testing. Allele origin: unknown. Affected: yes.
Comment: This variant was classified as: Uncertain significance. The available evidence on this variant's pathogenicity is insufficient or conflicting. The following ACMG criteria were applied in classifying this variant: PM2.

CeGaT Center for Human Genetics Tuebingen
Classification: Uncertain significance. Last evaluated: 2019-03-01. Review status: criteria provided, single submitter. Criteria: CeGaT Center For Human Genetics Tuebingen Variant Classification Criteria Version 2. Collection method: clinical testing. Allele origin: germline. Affected: yes. Observed: 1 variant allele.

Fulgent Genetics
Classification: Uncertain significance for Progressive familial intrahepatic cholestasis type 2; Benign recurrent intrahepatic cholestasis type 2. Last evaluated: 2018-10-31. Review status: criteria provided, single submitter. Criteria: ACMG Guidelines, 2015. Collection method: clinical testing. Allele origin: unknown.

Eurofins Ntd Llc (ga)
Classification: Uncertain significance. Last evaluated: 2018-02-23. Review status: criteria provided, single submitter. Criteria: EGL ClinVar v180209 classification definitions. Collection method: clinical testing. Allele origin: germline. Observed: 4 variant alleles, 4 heterozygotes.

Literature cited by the submitters: PubMed 32917322 (cited by Genomenon, Inc and Mayo Clinic Laboratories, Mayo Clinic); PubMed 32087350 (cited by Genomenon, Inc); PubMed 19101985 (cited by 3 submitters); PubMed 33201677 (cited by Mayo Clinic Laboratories, Mayo Clinic).

NM_003742.4(ABCB11):c.2125G>A (p.Glu709Lys)

Gene: ABCB11 (ATP binding cassette subfamily B member 11; minus strand). Cytogenetic location: 2q31.1.
Variant type: single nucleotide variant.
Coding change: c.2125G>A on transcript NM_003742.4 (MANE Select); coding-DNA position 2125, G replaced by A.
Protein change: p.Glu709Lys; replaces glutamic acid 709 with lysine.
Molecular consequence: missense variant.
Genome position (GRCh38, 1-based): chr2:168,964,259, C>T on the plus strand (G>A on the coding strand, the complement: ABCB11 is on the minus strand). VCF-style: chr2-168964259-C-T. GRCh37 (hg19) VCF-style: chr2-169820769-C-T.
Other names: p.Glu709Lys; c.2125G>A, p.Glu709Lys (LRG_1199t1); short protein forms E709K.
Identifiers: ClinVar variation 286699 (VCV000286699.61), dbSNP rs201800225, ClinGen allele CA1951362.
Genomic context (GRCh38, chr2:168,964,259, plus strand): 5'-GCCTGACCTTTCTATCTTCTTCATAGGTAGACTTATGATCTACAACAGCTAATGGAGGTT[C>T]GTGCACCAGGTAAGAAAGCTGAGACTTGGAGCGTTGCCGGATGGAAGCCCTGTAAATAAA-3'
Protein context (NP_003733.2, residues 699-719): SKSQLSYLVH[Glu709Lys]PPLAVVDHKS